The following is an entry in ClinVar:

NM_001211.6(BUB1B):c.2430G>C (p.Lys810Asn)

Gene: BUB1B (BUB1 mitotic checkpoint serine/threonine kinase B; plus strand). Cytogenetic location: 15q15.1.
Variant type: single nucleotide variant.
Coding change: c.2430G>C on transcript NM_001211.6 (MANE Select); coding-DNA position 2430, G replaced by C.
Protein change: p.Lys810Asn; replaces lysine 810 with asparagine.
Molecular consequence: missense variant.
Genome position (GRCh38, 1-based): chr15:40,212,543, G>C. VCF-style: chr15-40212543-G-C. GRCh37 (hg19) VCF-style: chr15-40504744-G-C.
Other names: short protein forms K810N.
Identifiers: ClinVar variation 2150911 (VCV002150911.4), dbSNP rs2542575374, ClinGen allele CA391695192.

ClinVar aggregate classification (germline): Uncertain significance (1 of 4 stars; one submission).

Conditions:
Mosaic variegated aneuploidy syndrome 1 (MVA1). Also called: Warburton-Anyane-Yeboa syndrome. Identifiers: Orphanet 1052, MedGen C1850343, MONDO:0009759, OMIM 257300.

Allele frequency attached by ClinVar (database versions not stated): gnomAD exomes below 0.00001.
gnomAD v4.1: 1 of 1,613,062 alleles (0.000062%); highest among the groups gnomAD compares: Non-Finnish European, 0.000085%; no homozygotes.

Submission:

Labcorp Genetics (formerly Invitae), Labcorp
Classification: Uncertain significance for Mosaic variegated aneuploidy syndrome 1. Last evaluated: 2022-03-20. Review status: criteria provided, single submitter. Criteria: Invitae Variant Classification Sherloc (09022015). Collection method: clinical testing. Allele origin: germline.
Comment: This sequence change replaces lysine, which is basic and polar, with asparagine, which is neutral and polar, at codon 810 of the BUB1B protein (p.Lys810Asn). This variant is not present in population databases (gnomAD no frequency). This variant has not been reported in the literature in individuals affected with BUB1B-related conditions. Algorithms developed to predict the effect of missense changes on protein structure and function are either unavailable or do not agree on the potential impact of this missense change (SIFT: "Deleterious"; PolyPhen-2: "Benign"; Align-GVGD: "Class C0"). In summary, the available evidence is currently insufficient to determine the role of this variant in disease. Therefore, it has been classified as a Variant of Uncertain Significance.